The following is an entry in ClinVar:

NM_033427.3(CTTNBP2):c.222G>A (p.Arg74=)

Gene: CTTNBP2 (cortactin binding protein 2; minus strand). Cytogenetic location: 7q31.31.
Variant type: single nucleotide variant.
Coding change: c.222G>A on transcript NM_033427.3 (MANE Select); coding-DNA position 222, G replaced by A.
Protein change: p.Arg74=; no amino-acid change (arginine 74 retained).
Molecular consequence: synonymous variant. On other transcripts: 5 prime UTR variant (2).
Genome position (GRCh38, 1-based): chr7:117,810,957, C>T on the plus strand (G>A on the coding strand, the complement: CTTNBP2 is on the minus strand). VCF-style: chr7-117810957-C-T. GRCh37 (hg19) VCF-style: chr7-117451011-C-T.
Other names: c.168G>A, p.Arg56= (NM_001363349.1); c.-1713G>A (NM_001363350.1, NM_001363351.1).
Identifiers: ClinVar variation 3040182 (VCV003040182.2), dbSNP rs368768466, ClinGen allele CA4452940.

ClinVar aggregate classification (germline): Likely benign (0 of 4 stars; one submission).

Conditions:
CTTNBP2-related disorder. Also called: CTTNBP2-related condition.

Allele frequency attached by ClinVar (database versions not stated): ESP Exome Variant Server 0.00008; TOPMed 0.00023; ExAC 0.00103; 1000 Genomes Project 30x 0.00109; 1000 Genomes Project 0.00120.
gnomAD v4.1: 879 of 1,613,960 alleles (0.054%); highest among the groups gnomAD compares: South Asian, 0.63%; 12 homozygotes.

Submission:

PreventionGenetics, part of Exact Sciences
Classification: Likely benign for CTTNBP2-related condition. Last evaluated: 2024-01-05. Review status: no assertion criteria provided. Collection method: clinical testing. Allele origin: germline.
Comment: This variant is classified as likely benign based on ACMG/AMP sequence variant interpretation guidelines (Richards et al. 2015 PMID: 25741868, with internal and published modifications).